The following is an entry in ClinVar:

NM_001042492.3(NF1):c.3592G>T (p.Glu1198Ter)

Gene: NF1 (neurofibromin 1; plus strand). Cytogenetic location: 17q11.2.
Variant type: single nucleotide variant.
Coding change: c.3592G>T on transcript NM_001042492.3 (MANE Select); coding-DNA position 3592, G replaced by T.
Protein change: p.Glu1198Ter; replaces glutamic acid 1198 with a stop codon.
Molecular consequence: nonsense.
Genome position (GRCh38, 1-based): chr17:31,233,097, G>T. VCF-style: chr17-31233097-G-T. GRCh37 (hg19) VCF-style: chr17-29560115-G-T.
Other names: c.3592G>T, p.Glu1198Ter (NM_000267.4); short protein forms E1198*.
Identifiers: ClinVar variation 3382332 (VCV003382332.2).

ClinVar aggregate classification (germline): Likely pathogenic (1 of 4 stars; one submission).

Conditions:
Neurofibromatosis, type 1 (NF1). Also called: Neurofibromatosis, type I; VON RECKLINGHAUSEN DISEASE; NEUROFIBROMATOSIS, TYPE I, SOMATIC; Peripheral type neurofibromatosis. Identifiers: Orphanet 636, MedGen C0027831, MONDO:0018975, OMIM 162200. Disease mechanism: loss of function.

Submission:

Juno Genomics, Hangzhou Juno Genomics, Inc
Classification: Likely pathogenic for Neurofibromatosis, type 1. Review status: criteria provided, single submitter. Criteria: ACMG Guidelines, 2015. Collection method: clinical testing. Allele origin: germline. Affected: yes.
Comment: Absent from controls (or at extremely low frequency if recessive) in Genome Aggregation Database, Exome Sequencing Project, 1000 Genomes Project, or Exome Aggregation Consortium.;Null variant in a gene where loss of function (LOF) is a known mechanism of disease.